The following is an entry in ClinVar:

NM_001370658.1(BTD):c.1137G>A (p.Met379Ile)

Gene: BTD (biotinidase; plus strand). Cytogenetic location: 3p25.1.
Variant type: single nucleotide variant.
Coding change: c.1137G>A on transcript NM_001370658.1 (MANE Select); coding-DNA position 1137, G replaced by A.
Protein change: p.Met379Ile; replaces methionine 379 with isoleucine.
Molecular consequence: missense variant. On other transcripts: intron variant (8).
Genome position (GRCh38, 1-based): chr3:15,645,053, G>A. VCF-style: chr3-15645053-G-A. GRCh37 (hg19) VCF-style: chr3-15686560-G-A.
Other names: c.1137G>A, p.Met379Ile (NM_001407365.1, NM_001407366.1, NM_001407367.1 and 16 more transcripts); c.1015+122G>A (NM_001370752.1, NM_001407379.1); c.399+2996G>A (NM_001370753.1, NM_001407400.1, NM_001407380.1 and 3 more transcripts); short protein forms M379I.
Identifiers: ClinVar variation 2734456 (VCV002734456.7), dbSNP rs2471518320, ClinGen allele CA351608292.
Genomic context (GRCh38, chr3:15,645,053, plus strand): 5'-CTGTGATGAGGCCACCAAGTGGAACGTGAATGCTCCTCCCACATTTCACTCTGAGATGAT[G>A]TATGACAATTTCACCCTGGTCCCTGTCTGGGGAAAGGAAGGCTATCTCCACGTCTGTTCC-3'
Protein context (NP_001357587.1, residues 369-389): NAPPTFHSEM[Met379Ile]YDNFTLVPVW

ClinVar aggregate classification (germline): Conflicting classifications of pathogenicity. Review status: criteria provided, conflicting classifications (1 of 4 stars). 3 submissions from 3 submitters: Pathogenic (1); Uncertain significance (2). Last evaluated 2026-08-06.

Conditions:
Biotinidase deficiency. Also called: BTD deficiency; Late-onset biotin-responsive multiple carboxylase deficiency; Biotin deficiency. Identifiers: Orphanet 79241, MedGen C0220754, MONDO:0009665, OMIM 253260.

gnomAD v4.1: 1 of 1,614,236 alleles (0.000062%); highest among the groups gnomAD compares: Non-Finnish European, 0.000085%; no homozygotes.

Submissions (3):

OLLIN Analises Genomicas, OLLIN
Classification: Uncertain significance for Biotinidase deficiency. Last evaluated: 2026-08-06. Review status: criteria provided, single submitter. Criteria: ACMG Guidelines 2015 PMID 25741868. Collection method: clinical testing. Allele origin: germline. Inheritance: Autosomal recessive inheritance.
Comment: This missense variant, located in exon 4 (of 4), has been reported in ClinVar (accession VCV002734456.6), in gnomAD with an allele frequency of 0.000062%, and in the scientific literature, in compound heterozygosity, in individuals with BTD related disorders (PMID: 28971021). In silico analysis is inconclusive regarding the impact of this variant. According to the currently available evidence, this variant has been classified as uncertain significance (PM2_P, PM3, PP4).

Women's Health and Genetics/Laboratory Corporation of America, LabCorp
Classification: Uncertain significance. Last evaluated: 2025-10-13. Review status: criteria provided, single submitter. Criteria: LabCorp Variant Classification Summary - May 2015. Collection method: clinical testing. Allele origin: germline.
Comment: Variant summary: BTD c.1137G>A (p.Met379Ile) results in a conservative amino acid change in the encoded protein sequence. Algorithms developed to predict the effect of missense changes on protein structure and function are either unavailable or do not agree on the potential impact of this missense change. The variant was absent in 251400 control chromosomes. The available data on variant occurrences in the general population are insufficient to allow any conclusion about variant significance. c.1137G>A has been observed in an individual affected with Biotinidase Deficiency (Porta_2017). These data do not allow any conclusion about variant significance. To our knowledge, no experimental evidence demonstrating an impact on protein function has been reported. The following publication has been ascertained in the context of this evaluation (PMID: 28971021). ClinVar contains an entry for this variant (Variation ID: 2734456). Based on the evidence outlined above, the variant was classified as uncertain significance.

Labcorp Genetics (formerly Invitae), Labcorp
Classification: Pathogenic for Biotinidase deficiency. Last evaluated: 2025-02-23. Review status: criteria provided, single submitter. Criteria: Invitae Variant Classification Sherloc (09022015). Collection method: clinical testing. Allele origin: germline.
Comment: This sequence change replaces methionine, which is neutral and non-polar, with isoleucine, which is neutral and non-polar, at codon 399 of the BTD protein (p.Met399Ile). This variant is not present in population databases (gnomAD no frequency). This missense change has been observed in individual(s) with biotinidase deficiency (PMID: 28971021). In at least one individual the data is consistent with being in trans (on the opposite chromosome) from a pathogenic variant. ClinVar contains an entry for this variant (Variation ID: 2734456). Invitae Evidence Modeling of protein sequence and biophysical properties (such as structural, functional, and spatial information, amino acid conservation, physicochemical variation, residue mobility, and thermodynamic stability) indicates that this missense variant is expected to disrupt BTD protein function with a positive predictive value of 95%. For these reasons, this variant has been classified as Pathogenic.

Literature cited by the submitters: PubMed 28971021 (cited by 3 submitters).